The following is an entry in ClinVar:

NM_006506.5(RASA2):c.1507G>T (p.Ala503Ser)

Gene: RASA2 (RAS p21 protein activator 2; plus strand). Cytogenetic location: 3q23.
Variant type: single nucleotide variant.
Coding change: c.1507G>T on transcript NM_006506.5 (MANE Select); coding-DNA position 1507, G replaced by T.
Protein change: p.Ala503Ser; replaces alanine 503 with serine.
Molecular consequence: missense variant.
Genome position (GRCh38, 1-based): chr3:141,577,023, G>T. VCF-style: chr3-141577023-G-T. GRCh37 (hg19) VCF-style: chr3-141295865-G-T.
Other names: c.1507G>T, p.Ala503Ser (NM_001303245.3, NM_001303246.3); short protein forms A503S.
Identifiers: ClinVar variation 4704263 (VCV004704263.2).
Genomic context (GRCh38, chr3:141,577,023, plus strand): 5'-TTTTTGTGCATGACATTTCACCATTTTTTTCCTGCAGATGACCCTCATGTTCAGTATTCT[G>T]CAGTGAGCAGCTTTGTATTTCTTCGTTTCTTTGCTGTAGCCGTAGTATCACCTCATACTT-3'
Protein context (NP_006497.2, residues 493-513): FPNDPHVQYS[Ala503Ser]VSSFVFLRFF

ClinVar aggregate classification (germline): Uncertain significance. Review status: criteria provided, multiple submitters, no conflicts (2 of 4 stars). 2 submissions from 2 submitters: Uncertain significance (2). Last evaluated 2025-08-18.

gnomAD v4.1: 1 of 1,609,600 alleles (0.000062%); no homozygotes.

Submissions (2):

Labcorp Genetics (formerly Invitae), Labcorp
Classification: Uncertain significance. Last evaluated: 2025-08-18. Review status: criteria provided, single submitter. Criteria: Invitae Variant Classification Sherloc (09022015). Collection method: clinical testing. Allele origin: germline.
Comment: This sequence change replaces alanine, which is neutral and non-polar, with serine, which is neutral and polar, at codon 503 of the RASA2 protein (p.Ala503Ser). This variant is not present in population databases (gnomAD no frequency). This variant has not been reported in the literature in individuals affected with RASA2-related conditions. Invitae Evidence Modeling of protein sequence and biophysical properties (such as structural, functional, and spatial information, amino acid conservation, physicochemical variation, residue mobility, and thermodynamic stability) indicates that this missense variant is not expected to disrupt RASA2 protein function with a negative predictive value of 80%. In summary, the available evidence is currently insufficient to determine the role of this variant in disease. Therefore, it has been classified as a Variant of Uncertain Significance.

Blueprint Genetics
Classification: Uncertain significance. Last evaluated: 2021-11-09. Review status: criteria provided, single submitter. Criteria: ACMG Guidelines, 2015. Collection method: clinical testing. Allele origin: germline.